The following is an entry in ClinVar:

NM_004281.3(BAG3):c.-359C>T

Gene: BAG3 (BAG cochaperone 3; plus strand). Cytogenetic location: 10q26.11.
Variant type: single nucleotide variant.
Coding change: c.-359C>T on transcript NM_004281.3; 359 bases upstream of the start codon, C replaced by T.
Genome position (GRCh38, 1-based): chr10:119,651,317, C>T. VCF-style: chr10-119651317-C-T. GRCh37 (hg19) VCF-style: chr10-121410829-C-T.
Identifiers: ClinVar variation 671390 (VCV000671390.4), dbSNP rs186893240, ClinGen allele CA214207511.
Genomic context (GRCh38, chr10:119,651,317, plus strand): 5'-GCGCACGAGTCGGAAGGGGGAGGGGCGGGAGGAGGTGGGGGAGGGGCGAGCGGGCCGAGG[C>T]CCCGCCCCCGCTCCTCTGCCCCGCCCGCCGCGATTATAGCCGATGACTCAGGGCGGAGCT-3'

ClinVar aggregate classification (germline): Benign. Review status: criteria provided, multiple submitters, no conflicts (2 of 4 stars). 2 submissions from 2 submitters: Benign (2). Last evaluated 2018-06-16.

Allele frequency attached by ClinVar (database versions not stated): TOPMed 0.01717; gnomAD 0.01569 and 0.01662; 1000 Genomes Project 30x 0.01624; gnomAD exomes 0.00250.

Submissions (2):

GeneDx
Classification: Benign. Last evaluated: 2018-06-16. Review status: criteria provided, single submitter. Criteria: GeneDx Variant Classification (06012015). Collection method: clinical testing. Allele origin: germline. Affected: yes.
Comment: This variant is considered likely benign or benign based on one or more of the following criteria: it is a conservative change, it occurs at a poorly conserved position in the protein, it is predicted to be benign by multiple in silico algorithms, and/or has population frequency not consistent with disease.

Breakthrough Genomics
Classification: Benign. Review status: criteria provided, single submitter. Criteria: ACMG Guidelines, 2015. Collection method: not provided. Allele origin: germline. Inheritance: Autosomal dominant inheritance. Affected: yes.